The following is an entry in ClinVar:

NM_018979.4(WNK1):c.-34C>T

Gene: WNK1 (WNK lysine deficient protein kinase 1; plus strand). Cytogenetic location: 12p13.33.
Variant type: single nucleotide variant.
Coding change: c.-34C>T on transcript NM_018979.4 (MANE Select); 34 bases upstream of the start codon, C replaced by T.
Molecular consequence: 5 prime UTR variant.
Genome position (GRCh38, 1-based): chr12:753,532, C>T. VCF-style: chr12-753532-C-T. GRCh37 (hg19) VCF-style: chr12-862698-C-T.
Other names: c.-34C>T (NM_001184985.2, NM_014823.3, NM_213655.5).
Identifiers: ClinVar variation 880958 (VCV000880958.4), dbSNP rs537709613, ClinGen allele CA6381685.

ClinVar aggregate classification (germline): Benign (1 of 4 stars; one submission).

Conditions:
Pseudohypoaldosteronism type 2C (PHA2C). Also called: Pseudohypoaldosteronism Type IIC. Identifiers: Orphanet 757, Orphanet 88940, MedGen C1840391, MONDO:0013778, OMIM 614492.

Allele frequency attached by ClinVar (database versions not stated): gnomAD 0.00002; ExAC 0.00011; 1000 Genomes Project 30x 0.00047; 1000 Genomes Project 0.00060.
gnomAD v4.1: 48 of 1,610,912 alleles (0.003%); highest among the groups gnomAD compares: South Asian, 0.044%; no homozygotes.

Submission:

Illumina Laboratory Services, Illumina
Classification: Benign for Pseudohypoaldosteronism type 2C. Last evaluated: 2018-01-22. Review status: criteria provided, single submitter. Criteria: ICSL Variant Classification Criteria 13 December 2019. Collection method: clinical testing. Allele origin: germline.
Comment: This variant was observed in the ICSL laboratory as part of a predisposition screen in an ostensibly healthy population. It had not been previously curated by ICSL or reported in the Human Gene Mutation Database (HGMD: prior to June 1st, 2018), and was therefore a candidate for classification through an automated scoring system. Utilizing variant allele frequency, disease prevalence and penetrance estimates, and inheritance mode, an automated score was calculated to assess if this variant is too frequent to cause the disease. Based on the score and internal cut-off values, a variant classified as benign is not then subjected to further curation. The score for this variant resulted in a classification of benign for this disease.